The following is an entry in ClinVar:

NM_005609.4(PYGM):c.2181dup (p.Asn728fs)

Gene: PYGM (glycogen phosphorylase, muscle associated; minus strand). Cytogenetic location: 11q13.1.
Variant type: Duplication.
Coding change: c.2181dup on transcript NM_005609.4 (MANE Select); coding-DNA position 2181, one base duplicated (C; older notation c.2181dupC).
Protein change: p.Asn728fs; shifts the reading frame from asparagine 728.
Molecular consequence: frameshift variant.
Genome position (GRCh38, 1-based): chr11:64,747,355, G duplicated on the plus strand (C on the coding strand, the reverse complement: PYGM is on the minus strand). VCF-style (leftmost placement, unchanged base first): chr11-64747354-T-TG. GRCh37 (hg19) VCF-style: chr11-64514826-T-TG.
Other names: c.1917dup, p.Asn640fs (NM_001164716.1); short protein forms N728fs, N640fs.
Identifiers: ClinVar variation 949080 (VCV000949080.7), dbSNP rs2058321851, ClinGen allele CA1139662013.
Genomic context (GRCh38, chr11:64,747,354, plus strand): 5'-TGCTCAGCTGCTCAATGACCTGCCGAAGCTCAGGAATGCGATCGTAGTACTCCTGGGCAT[T>TG]GTACCTGCCAGGACAGAGCTGTGGTCAGCTCCCCGGAAAGGGGTTCCTGGCTCCTCTTCC-3'

ClinVar aggregate classification (germline): Pathogenic (1 of 4 stars; one submission).

Conditions:
Glycogen storage disease, type V (GSD5). Also called: MCARDLE DISEASE; MUSCLE GLYCOGEN PHOSPHORYLASE DEFICIENCY; MYOPHOSPHORYLASE DEFICIENCY; PYGM DEFICIENCY; McArdle type glycogen storage disease. Identifiers: Orphanet 368, MedGen C0017924, MONDO:0009293, OMIM 232600.

Allele frequency attached by ClinVar (database versions not stated): gnomAD exomes below 0.00001.

Submission:

Labcorp Genetics (formerly Invitae), Labcorp
Classification: Pathogenic for Glycogen storage disease, type V. Last evaluated: 2020-10-07. Review status: criteria provided, single submitter. Criteria: Invitae Variant Classification Sherloc (09022015). Collection method: clinical testing. Allele origin: germline.
Comment: For these reasons, this variant has been classified as Pathogenic. Loss-of-function variants in PYGM are known to be pathogenic (PMID: 8316268, 16786513). This variant has not been reported in the literature in individuals with PYGM-related conditions. ClinVar contains an entry for this variant (Variation ID: 949080). This variant is not present in population databases (ExAC no frequency). This sequence change creates a premature translational stop signal (p.Asn728Glnfs*11) in the PYGM gene. It is expected to result in an absent or disrupted protein product.

Literature cited by the submitters: PubMed 8316268; PubMed 16786513.